The following is an entry in ClinVar:

NM_017617.5(NOTCH1):c.1122C>T (p.Asp374=)

Gene: NOTCH1 (notch receptor 1; minus strand). Cytogenetic location: 9q34.3.
Variant type: single nucleotide variant.
Coding change: c.1122C>T on transcript NM_017617.5 (MANE Select); coding-DNA position 1122, C replaced by T.
Protein change: p.Asp374=; no amino-acid change (aspartic acid 374 retained).
Molecular consequence: synonymous variant.
Genome position (GRCh38, 1-based): chr9:136,518,270, G>A on the plus strand (C>T on the coding strand, the complement: NOTCH1 is on the minus strand). VCF-style: chr9-136518270-G-A. GRCh37 (hg19) VCF-style: chr9-139412722-G-A.
Other names: p.Asp374=; c.1122C>T, p.Asp374= (LRG_1122t1).
Identifiers: ClinVar variation 241116 (VCV000241116.55), dbSNP rs192683347, ClinGen allele CA5341904.

ClinVar aggregate classification (germline): Benign/Likely benign. Review status: criteria provided, multiple submitters, no conflicts (2 of 4 stars). 9 submissions from 8 submitters: Benign (5); Likely benign (4). Last evaluated 2026-08-01.

Conditions:
Adams-Oliver syndrome 5 (AOS5). Identifiers: Orphanet 974, MedGen C4014970, MONDO:0014459, OMIM 616028.
Familial thoracic aortic aneurysm and aortic dissection (TAAD). Also called: Thoracic aortic aneurysms and dissections. Identifiers: Orphanet 91387, MedGen C4707243, MONDO:0019625.
Aortic valve disease 1 (AOVD1). Identifiers: MedGen C3887892, MONDO:0024523, OMIM 109730.

Allele frequency attached by ClinVar (database versions not stated): gnomAD exomes 0.00020 and 0.00043; ExAC 0.00062; 1000 Genomes Project 30x 0.00109; gnomAD 0.00137 and 0.00148; 1000 Genomes Project 0.00140; ESP Exome Variant Server 0.00140; TOPMed 0.00151.
gnomAD v4.1: 504 of 1,611,042 alleles (0.031%); highest among the groups gnomAD compares: African/African-American, 0.42%; 2 homozygotes.

Submissions (9):

CeGaT Center for Human Genetics Tuebingen
Classification: Likely benign. Last evaluated: 2026-08-01. Review status: criteria provided, single submitter. Criteria: CeGaT Center For Human Genetics Tuebingen Variant Classification Criteria Version 2. Collection method: clinical testing. Allele origin: germline. Affected: yes. Observed: 2 variant alleles.
Comment: NOTCH1: BP4, BP7

Labcorp Genetics (formerly Invitae), Labcorp
Classification: Benign for Adams-Oliver syndrome 5. Last evaluated: 2026-01-24. Review status: criteria provided, single submitter. Criteria: Invitae Variant Classification Sherloc (09022015). Collection method: clinical testing. Allele origin: germline.

Mayo Clinic Laboratories, Mayo Clinic
Classification: Likely benign. Last evaluated: 2025-09-30. Review status: criteria provided, single submitter. Criteria: ACMG Guidelines, 2015. Collection method: clinical testing. Allele origin: germline. Observed: 1 variant allele.
Comment: BS1, BP4, BP7

Women's Health and Genetics/Laboratory Corporation of America, LabCorp
Classification: Benign. Last evaluated: 2023-10-19. Review status: criteria provided, single submitter. Criteria: LabCorp Variant Classification Summary - May 2015. Collection method: clinical testing. Allele origin: germline.

Genome-Nilou Lab
Classification: Benign for Adams-Oliver syndrome 5. Last evaluated: 2022-03-15. Review status: criteria provided, single submitter. Criteria: ACMG Guidelines, 2015. Collection method: clinical testing. Allele origin: germline. Affected: no.

Genome-Nilou Lab
Classification: Benign for Aortic valve disease 1. Last evaluated: 2022-03-15. Review status: criteria provided, single submitter. Criteria: ACMG Guidelines, 2015. Collection method: clinical testing. Allele origin: germline. Affected: no.

GeneDx
Classification: Likely benign. Last evaluated: 2021-09-09. Review status: criteria provided, single submitter. Criteria: GeneDx Variant Classification Process June 2021. Collection method: clinical testing. Allele origin: germline. Affected: yes.

Eurofins Ntd Llc (ga)
Classification: Benign. Last evaluated: 2017-06-12. Review status: criteria provided, single submitter. Criteria: EGL Classification Definitions 2015. Collection method: clinical testing. Allele origin: germline. Observed: 1 variant allele, 1 heterozygote.

Ambry Genetics
Classification: Likely benign for Familial thoracic aortic aneurysm and aortic dissection. Last evaluated: 2017-03-23. Review status: criteria provided, single submitter. Criteria: Ambry Variant Classification Scheme 2023. Collection method: clinical testing. Allele origin: germline.

Literature cited by the submitters: PubMed 24943832 (cited by Women's Health and Genetics/Laboratory Corporation of America, LabCorp); PubMed 16614245 (cited by Women's Health and Genetics/Laboratory Corporation of America, LabCorp); PubMed 21670202 (cited by Women's Health and Genetics/Laboratory Corporation of America, LabCorp); PubMed 22210878 (cited by Women's Health and Genetics/Laboratory Corporation of America, LabCorp); PubMed 19635999 (cited by Women's Health and Genetics/Laboratory Corporation of America, LabCorp); PubMed 26837699 (cited by Women's Health and Genetics/Laboratory Corporation of America, LabCorp); PubMed 23086750 (cited by Women's Health and Genetics/Laboratory Corporation of America, LabCorp); PubMed 19245433 (cited by Women's Health and Genetics/Laboratory Corporation of America, LabCorp); PubMed 22077063 (cited by Women's Health and Genetics/Laboratory Corporation of America, LabCorp); PubMed 15472075 (cited by Women's Health and Genetics/Laboratory Corporation of America, LabCorp); PubMed 23734977 (cited by Women's Health and Genetics/Laboratory Corporation of America, LabCorp); PubMed 22858860 (cited by Women's Health and Genetics/Laboratory Corporation of America, LabCorp).